The following is an entry in ClinVar:

ClinVar aggregate classification (germline): Pathogenic (1 of 4 stars; one submission).

Submission:

Labcorp Genetics (formerly Invitae), Labcorp
Classification: Pathogenic. Last evaluated: 2022-04-21. Review status: criteria provided, single submitter. Criteria: Invitae Variant Classification Sherloc (09022015). Collection method: clinical testing. Allele origin: germline.
Comment: For these reasons, this variant has been classified as Pathogenic. This variant has not been reported in the literature in individuals affected with COL11A1-related conditions. This variant is not present in population databases (gnomAD no frequency). This sequence change creates a premature translational stop signal (p.Pro675Glnfs*90) in the COL11A1 gene. It is expected to result in an absent or disrupted protein product. Loss-of-function variants in COL11A1 are known to be pathogenic (PMID: 20513134, 21035103, 23922384, 25240749, 32427345, 32756486).

Literature cited by the submitters: PubMed 20513134; PubMed 21035103; PubMed 23922384; PubMed 25240749; PubMed 32427345; PubMed 32756486.

NM_001854.4(COL11A1):c.2024del (p.Pro675fs)

Gene: COL11A1 (collagen type XI alpha 1 chain; minus strand). Cytogenetic location: 1p21.1.
Variant type: Deletion.
Coding change: c.2024del on transcript NM_001854.4 (MANE Select); coding-DNA position 2024, one base deleted (C; older notation c.2024delC).
Protein change: p.Pro675fs; shifts the reading frame from proline 675.
Molecular consequence: frameshift variant. On other transcripts: non-coding transcript variant (1).
Genome position (GRCh38, 1-based): chr1:103,002,766, G deleted on the plus strand (C on the coding strand, the reverse complement: COL11A1 is on the minus strand); the first of 6 consecutive G bases (chr1:103,002,766-103,002,771); deleting any one gives the same sequence. VCF-style (leftmost placement, unchanged base first): chr1-103002765-TG-T. GRCh37 (hg19) VCF-style: chr1-103468321-TG-T.
Other names: c.1671delC, p.Pro559Glnfs (NM_001168249.1); c.1907del, p.Pro636fs (NM_001190709.2); c.2060del, p.Pro687fs (NM_080629.3); c.1676del, p.Pro559fs (NM_080630.4); short protein forms P636fs, P559fs, P675fs, P687fs.
Identifiers: ClinVar variation 2128713 (VCV002128713.4), dbSNP rs2525362626, ClinGen allele CA645536844.